The following is an entry in ClinVar:

ClinVar aggregate classification (germline): Uncertain significance. Review status: criteria provided, multiple submitters, no conflicts (2 of 4 stars). 2 submissions from 2 submitters: Uncertain significance (2). Last evaluated 2025-05-28.

Conditions:
INPP5E-related disorder. Also called: INPP5E-related condition.
Joubert syndrome. Also called: JOUBERT-BOLTSHAUSER SYNDROME; Familial aplasia of the vermis. Identifiers: Orphanet 475, MedGen C5979921, MONDO:0018772.

Allele frequency attached by ClinVar (database versions not stated): TOPMed below 0.00001; gnomAD 0.00001; gnomAD exomes 0.00001; ExAC 0.00002; 1000 Genomes Project 30x 0.00016; 1000 Genomes Project 0.00020.
gnomAD v4.1: 11 of 1,612,128 alleles (0.00068%); highest among the groups gnomAD compares: South Asian, 0.0099%; no homozygotes.

Submissions (2):

PreventionGenetics, part of Exact Sciences
Classification: Uncertain significance for INPP5E-related condition. Last evaluated: 2025-05-28. Review status: criteria provided, single submitter. Criteria: ACMG Guidelines, 2015. Collection method: clinical testing. Allele origin: germline.
Comment: The INPP5E c.635T>G variant is predicted to result in the amino acid substitution p.Val212Gly. To our knowledge, this variant has not been reported in the literature. This variant is reported in 0.013% of alleles in individuals of South Asian descent in gnomAD. At this time, the clinical significance of this variant is uncertain due to the absence of conclusive functional and genetic evidence.

Labcorp Genetics (formerly Invitae), Labcorp
Classification: Uncertain significance for Joubert syndrome. Last evaluated: 2024-02-17. Review status: criteria provided, single submitter. Criteria: Invitae Variant Classification Sherloc (09022015). Collection method: clinical testing. Allele origin: germline.
Comment: This sequence change replaces valine, which is neutral and non-polar, with glycine, which is neutral and non-polar, at codon 212 of the INPP5E protein (p.Val212Gly). This variant is present in population databases (rs533861933, gnomAD 0.01%). This variant has not been reported in the literature in individuals affected with INPP5E-related conditions. ClinVar contains an entry for this variant (Variation ID: 2148947). Algorithms developed to predict the effect of missense changes on protein structure and function output the following: SIFT: "Not Available"; PolyPhen-2: "Benign"; Align-GVGD: "Not Available". The glycine amino acid residue is found in multiple mammalian species, which suggests that this missense change does not adversely affect protein function. In summary, the available evidence is currently insufficient to determine the role of this variant in disease. Therefore, it has been classified as a Variant of Uncertain Significance.

NM_019892.6(INPP5E):c.635T>G (p.Val212Gly)

Gene: INPP5E (inositol polyphosphate-5-phosphatase E; minus strand). Cytogenetic location: 9q34.3.
Variant type: single nucleotide variant.
Coding change: c.635T>G on transcript NM_019892.6 (MANE Select); coding-DNA position 635, T replaced by G.
Protein change: p.Val212Gly; replaces valine 212 with glycine.
Molecular consequence: missense variant.
Genome position (GRCh38, 1-based): chr9:136,438,785, A>C on the plus strand (T>G on the coding strand, the complement: INPP5E is on the minus strand). VCF-style: chr9-136438785-A-C. GRCh37 (hg19) VCF-style: chr9-139333237-A-C.
Other names: c.635T>G, p.Val212Gly (NM_001318502.2); c.635T>G (NM_019892.5); short protein forms V212G.
Identifiers: ClinVar variation 2148947 (VCV002148947.4), dbSNP rs533861933, ClinGen allele CA5337114.